The following is an entry in ClinVar:

NM_000384.3(APOB):c.1786C>T (p.His596Tyr)

Gene: APOB (apolipoprotein B; minus strand). Cytogenetic location: 2p24.1.
Variant type: single nucleotide variant.
Coding change: c.1786C>T on transcript NM_000384.3 (MANE Select); coding-DNA position 1786, C replaced by T.
Protein change: p.His596Tyr; replaces histidine 596 with tyrosine.
Molecular consequence: missense variant.
Genome position (GRCh38, 1-based): chr2:21,028,370, G>A on the plus strand (C>T on the coding strand, the complement: APOB is on the minus strand). VCF-style: chr2-21028370-G-A. GRCh37 (hg19) VCF-style: chr2-21251242-G-A.
Other names: short protein forms H596Y.
Identifiers: ClinVar variation 1678000 (VCV001678000.4), dbSNP rs1461214675, ClinGen allele CA346014332.

ClinVar aggregate classification (germline): Uncertain significance. Review status: criteria provided, multiple submitters, no conflicts (2 of 4 stars). 2 submissions from 2 submitters: Uncertain significance (2). Last evaluated 2025-02-27.

Conditions:
Cardiovascular phenotype. Identifiers: MedGen CN230736.

Allele frequency attached by ClinVar (database versions not stated): gnomAD 0.00001; gnomAD exomes 0.00001.

Submissions (2):

Ambry Genetics
Classification: Uncertain significance for Cardiovascular phenotype. Last evaluated: 2025-02-27. Review status: criteria provided, single submitter. Criteria: Ambry Variant Classification Scheme 2023. Collection method: clinical testing. Allele origin: germline.
Comment: The p.H596Y variant (also known as c.1786C>T), located in coding exon 13 of the APOB gene, results from a C to T substitution at nucleotide position 1786. The histidine at codon 596 is replaced by tyrosine, an amino acid with similar properties. This amino acid position is conserved. In addition, this alteration is predicted to be deleterious by in silico analysis. Since supporting evidence is limited at this time, the clinical significance of this alteration remains unclear.

AiLife Diagnostics
Classification: Uncertain significance. Last evaluated: 2022-02-28. Review status: criteria provided, single submitter. Criteria: ACMG Guidelines, 2015. Collection method: clinical testing. Allele origin: germline. Affected: yes. Observed: 1 variant allele.